The following is an entry in ClinVar:

NM_001367823.1(ARHGEF18):c.3364C>T (p.Arg1122Trp)

Gene: ARHGEF18 (Rho/Rac guanine nucleotide exchange factor 18; plus strand). Cytogenetic location: 19p13.2.
Variant type: single nucleotide variant.
Coding change: c.3364C>T on transcript NM_001367823.1 (MANE Select); coding-DNA position 3364, C replaced by T.
Protein change: p.Arg1122Trp; replaces arginine 1122 with tryptophan.
Molecular consequence: missense variant.
Genome position (GRCh38, 1-based): chr19:7,467,568, C>T. VCF-style: chr19-7467568-C-T. GRCh37 (hg19) VCF-style: chr19-7532454-C-T.
Other names: c.2638C>T, p.Arg880Trp (NM_001130955.2); c.2326C>T, p.Arg776Trp (NM_001367824.1, NM_015318.4); short protein forms R1122W, R776W, R880W.
Identifiers: ClinVar variation 1915944 (VCV001915944.6), dbSNP rs2512344420, ClinGen allele CA403089257.

ClinVar aggregate classification (germline): Uncertain significance. Review status: criteria provided, multiple submitters, no conflicts (2 of 4 stars). 2 submissions from 2 submitters: Uncertain significance (2). Last evaluated 2022-06-04.

gnomAD v4.1: 1 of 1,492,226 alleles (0.000067%); no homozygotes.

Submissions (2):

Labcorp Genetics (formerly Invitae), Labcorp
Classification: Uncertain significance. Last evaluated: 2022-06-04. Review status: criteria provided, single submitter. Criteria: Invitae Variant Classification Sherloc (09022015). Collection method: clinical testing. Allele origin: germline.
Comment: In summary, the available evidence is currently insufficient to determine the role of this variant in disease. Therefore, it has been classified as a Variant of Uncertain Significance. Algorithms developed to predict the effect of missense changes on protein structure and function (SIFT, PolyPhen-2, Align-GVGD) all suggest that this variant is likely to be disruptive. This variant has not been reported in the literature in individuals affected with ARHGEF18-related conditions. This variant is not present in population databases (gnomAD no frequency). This sequence change replaces arginine, which is basic and polar, with tryptophan, which is neutral and slightly polar, at codon 934 of the ARHGEF18 protein (p.Arg934Trp).

Blueprint Genetics
Classification: Uncertain significance. Last evaluated: 2021-04-20. Review status: criteria provided, single submitter. Criteria: ACMG Guidelines, 2015. Collection method: clinical testing. Allele origin: germline.